The following is an entry in ClinVar:

ClinVar aggregate classification (germline): Uncertain significance. Review status: criteria provided, multiple submitters, no conflicts (2 of 4 stars). 5 submissions from 5 submitters: Uncertain significance (5). Last evaluated 2026-04-05.

Conditions:
Autosomal recessive limb-girdle muscular dystrophy type 2J (LGMDR10). Also called: Limb-girdle muscular dystrophy, type 2J; MUSCULAR DYSTROPHY, LIMB-GIRDLE, AUTOSOMAL RECESSIVE 10. Identifiers: Orphanet 140922, MedGen C1837342, MONDO:0012127, OMIM 608807.
Dilated cardiomyopathy 1G (CMD1G). Identifiers: Orphanet 154, MedGen C1858763, MONDO:0011400, OMIM 604145.
Tibial muscular dystrophy (TMD). Also called: Tibial muscular dystrophy, tardive; UDD MYOPATHY; Udd Distal Myopathy – Tibial Muscular Dystrophy. Identifiers: Orphanet 609, MedGen C1838244, MONDO:0010870, OMIM 600334.
Hypertrophic cardiomyopathy 9. Also called: Familial hypertrophic cardiomyopathy 9. Identifiers: MedGen C1861065, MONDO:0013412, OMIM 613765.
Myopathy, myofibrillar, 9, with early respiratory failure (MFM9). Also called: MYOPATHY, PROXIMAL, WITH EARLY RESPIRATORY MUSCLE INVOLVEMENT; EDSTROM MYOPATHY; Myopathy, distal, with early respiratory failure, autosomal dominant; Hereditary myopathy with early respiratory failure. Identifiers: Orphanet 178464, Orphanet 34521, MedGen C1863599, MONDO:0011362, OMIM 603689.
Early-onset myopathy with fatal cardiomyopathy (CMYO5). Also called: Salih Myopathy; CONGENITAL MYOPATHY 5 WITH CARDIOMYOPATHY. Identifiers: Orphanet 289377, MedGen C2673677, MONDO:0012714, OMIM 611705. Disease mechanism: loss of function.
TTN-related disorder. Also called: TTN-related condition; TTN-related disease; TTN-related disorders.

Allele frequency attached by ClinVar (database versions not stated): ExAC 0.00004; gnomAD exomes 0.00004 and 0.00010; TOPMed 0.00007; gnomAD 0.00008 and 0.00009.
gnomAD v4.1: 153 of 1,604,290 alleles (0.0095%); highest among the groups gnomAD compares: Non-Finnish European, 0.012%; no homozygotes.

Submissions (5):

PreventionGenetics, part of Exact Sciences
Classification: Uncertain significance for TTN-related condition. Last evaluated: 2026-04-05. Review status: criteria provided, single submitter. Criteria: ACMG Guidelines, 2015. Collection method: clinical testing. Allele origin: germline.
Comment: The TTN c.92167C>T variant is predicted to result in the amino acid substitution p.Pro30723Ser. This variant has been reported in the compound heterozygous state with an established pathogenic variant, c.107780_107790delinsTGAAAGAAAAA (p.Glu35927_Trp35930delinsValLysGluLys), in an individual with an atypical, adult onset, proximal lower limb titinopathy. The p.Pro30723Ser variant was inherited from the unaffected father (Evilä et al. 2014. PubMed ID: 24395473). This variant is reported in 0.012% of alleles in individuals of European (Finnish) descent in gnomAD. Although we suspect that this variant may be benign, at this time, the clinical significance of this variant is uncertain due to the absence of conclusive functional and genetic evidence.

Labcorp Genetics (formerly Invitae), Labcorp
Classification: Uncertain significance for Dilated cardiomyopathy 1G; Autosomal recessive limb-girdle muscular dystrophy type 2J. Last evaluated: 2025-12-21. Review status: criteria provided, single submitter. Criteria: Invitae Variant Classification Sherloc (09022015). Collection method: clinical testing. Allele origin: germline.
Comment: This sequence change replaces proline, which is neutral and non-polar, with serine, which is neutral and polar, at codon 30723 of the TTN protein (p.Pro30723Ser). This variant is present in population databases (rs758537709, gnomAD 0.01%). This missense change has been observed in individual(s) with clinical features of TTN-related neuromuscular disease (PMID: 24395473). In at least one individual the data is consistent with being in trans (on the opposite chromosome) from a pathogenic variant. ClinVar contains an entry for this variant (Variation ID: 856860). Experimental studies and prediction algorithms are not available or were not evaluated, and the functional significance of this variant is currently unknown. This variant is located in the A band of TTN (PMID: 25589632). Variants in this region may be relevant for cardiac or neuromuscular disorders (PMID: 25589632, 23975875). In summary, the available evidence is currently insufficient to determine the role of this variant in disease. Therefore, it has been classified as a Variant of Uncertain Significance.

Athena Diagnostics
Classification: Uncertain significance. Last evaluated: 2024-04-16. Review status: criteria provided, single submitter. Criteria: Athena Diagnostics Criteria. Collection method: clinical testing. Allele origin: unknown.

Revvity Omics, Revvity
Classification: Uncertain significance. Last evaluated: 2021-08-06. Review status: criteria provided, single submitter. Criteria: ACMG Guidelines, 2015. Collection method: clinical testing. Allele origin: germline.

Fulgent Genetics
Classification: Uncertain significance for Tibial muscular dystrophy; Myopathy, myofibrillar, 9, with early respiratory failure; Dilated cardiomyopathy 1G; Autosomal recessive limb-girdle muscular dystrophy type 2J; Early-onset myopathy with fatal cardiomyopathy; Hypertrophic cardiomyopathy 9. Last evaluated: 2021-07-02. Review status: criteria provided, single submitter. Criteria: ACMG Guidelines, 2015. Collection method: clinical testing. Allele origin: unknown.

Literature cited by the submitters: PubMed 24395473 (cited by Labcorp Genetics (formerly Invitae), Labcorp and Athena Diagnostics); PubMed 25589632 (cited by Labcorp Genetics (formerly Invitae), Labcorp and Athena Diagnostics); PubMed 23975875 (cited by Labcorp Genetics (formerly Invitae), Labcorp); PubMed 38438525 (cited by Athena Diagnostics); PubMed 33432171 (cited by Athena Diagnostics).

NM_001267550.2(TTN):c.92167C>T (p.Pro30723Ser)

Genes: TTN (titin; minus strand), TTN-AS1 (TTN antisense RNA 1; plus strand). Cytogenetic location: 2q31.2.
Variant type: single nucleotide variant.
Coding change: c.92167C>T on transcript NM_001267550.2 (MANE Select); coding-DNA position 92167, C replaced by T.
Protein change: p.Pro30723Ser; replaces proline 30723 with serine.
Molecular consequence: missense variant.
Genome position (GRCh38, 1-based): chr2:178,549,459, G>A on the plus strand (C>T on the coding strand, the complement: TTN is on the minus strand). VCF-style: chr2-178549459-G-A. GRCh37 (hg19) VCF-style: chr2-179414186-G-A.
Other names: c.92167C>T (NM_001267550.1); c.87244C>T, p.Pro29082Ser (NM_001256850.1); c.64972C>T, p.Pro21658Ser (NM_003319.4); c.84463C>T, p.Pro28155Ser (NM_133378.4); c.65347C>T, p.Pro21783Ser (NM_133432.3); c.65548C>T, p.Pro21850Ser (NM_133437.4); short protein forms P21783S, P28155S, P29082S, P21850S, P30723S, P21658S.
Identifiers: ClinVar variation 856860 (VCV000856860.15), dbSNP rs758537709, ClinGen allele CA1987474.